The following is an entry in ClinVar:

NM_005359.6(SMAD4):c.*6009G>C

Gene: SMAD4 (SMAD family member 4; plus strand). Cytogenetic location: 18q21.2.
Variant type: single nucleotide variant.
Coding change: c.*6009G>C on transcript NM_005359.6 (MANE Select); 6009 bases downstream of the stop codon, G replaced by C.
Molecular consequence: 3 prime UTR variant.
Genome position (GRCh38, 1-based): chr18:51,084,476, G>C. VCF-style: chr18-51084476-G-C. GRCh37 (hg19) VCF-style: chr18-48610846-G-C.
Identifiers: ClinVar variation 327212 (VCV000327212.6), dbSNP rs181250637, ClinGen allele CA10651809.

ClinVar aggregate classification (germline): Benign/Likely benign. Review status: criteria provided, multiple submitters, no conflicts (2 of 4 stars). 4 submissions from 2 submitters: Benign (2); Likely benign (2). Last evaluated 2018-01-13.

Conditions:
Myhre syndrome (MYHRS). Also called: LARYNGOTRACHEAL STENOSIS, ARTHROPATHY, PROGNATHISM, AND SHORT STATURE; LAPS SYNDROME. Identifiers: Orphanet 2588, MedGen C0796081, MONDO:0007688, OMIM 139210.
Juvenile polyposis/hereditary hemorrhagic telangiectasia syndrome (JPHT). Also called: JP/HHT SYNDROME; JUVENILE POLYPOSIS WITH HEREDITARY HEMORRHAGIC TELANGIECTASIA; POLYPOSIS, GENERALIZED JUVENILE, WITH PULMONARY ARTERIOVENOUS MALFORMATION; TELANGIECTASIA, HEREDITARY HEMORRHAGIC, WITH JUVENILE POLYPOSIS COLI; Juvenile Polyposis Syndrome / Hereditary Hemorrhagic Telangiectasia (JPS/HHT). Identifiers: Orphanet 2929, MedGen C1832942, MONDO:0008278, OMIM 175050.
Generalized juvenile polyposis/juvenile polyposis coli. Also called: Juvenile polyposis coli. Identifiers: Orphanet 329971, MedGen C1868081, MONDO:0008276.

Allele frequency attached by ClinVar (database versions not stated): gnomAD 0.00070 and 0.00074; gnomAD exomes 0.00102; 1000 Genomes Project 30x 0.00172; 1000 Genomes Project 0.00180.
gnomAD v4.1: 187 of 220,940 alleles (0.085%); highest among the groups gnomAD compares: Middle Eastern, 0.83%; 1 homozygote.

Submissions (4):

Illumina Laboratory Services, Illumina
Classification: Likely benign for Juvenile polyposis/hereditary hemorrhagic telangiectasia syndrome. Last evaluated: 2018-01-13. Review status: criteria provided, single submitter. Criteria: ICSL Variant Classification Criteria 13 December 2019. Collection method: clinical testing. Allele origin: germline.
Comment: This variant was observed in the ICSL laboratory as part of a predisposition screen in an ostensibly healthy population. It had not been previously curated by ICSL or reported in the Human Gene Mutation Database (HGMD: prior to June 1st, 2018), and was therefore a candidate for classification through an automated scoring system. Utilizing variant allele frequency, disease prevalence and penetrance estimates, and inheritance mode, an automated score was calculated to assess if this variant is too frequent to cause the disease. Based on the score and internal cut-off values, a variant classified as likely benign is not then subjected to further curation. The score for this variant resulted in a classification of likely benign for this disease.

Illumina Laboratory Services, Illumina
Classification: Benign for Juvenile polyposis syndrome. Last evaluated: 2018-01-13. Review status: criteria provided, single submitter. Criteria: ICSL Variant Classification Criteria 13 December 2019. Collection method: clinical testing. Allele origin: germline.
Comment: This variant was observed in the ICSL laboratory as part of a predisposition screen in an ostensibly healthy population. It had not been previously curated by ICSL or reported in the Human Gene Mutation Database (HGMD: prior to June 1st, 2018), and was therefore a candidate for classification through an automated scoring system. Utilizing variant allele frequency, disease prevalence and penetrance estimates, and inheritance mode, an automated score was calculated to assess if this variant is too frequent to cause the disease. Based on the score and internal cut-off values, a variant classified as benign is not then subjected to further curation. The score for this variant resulted in a classification of benign for this disease.

Illumina Laboratory Services, Illumina
Classification: Benign for Myhre syndrome. Last evaluated: 2018-01-13. Review status: criteria provided, single submitter. Criteria: ICSL Variant Classification Criteria 13 December 2019. Collection method: clinical testing. Allele origin: germline.
Comment: the same text as in the submission from Illumina Laboratory Services, Illumina above.

Breakthrough Genomics
Classification: Likely benign. Review status: criteria provided, single submitter. Criteria: ACMG Guidelines, 2015. Collection method: not provided. Allele origin: germline. Inheritance: Autosomal dominant inheritance. Affected: yes.